The following is an entry in ClinVar:

NM_018297.4(NGLY1):c.236del (p.Gly79fs)

Gene: NGLY1 (N-glycanase 1; minus strand). Cytogenetic location: 3p24.2.
Variant type: Deletion.
Coding change: c.236del on transcript NM_018297.4 (MANE Select); coding-DNA position 236, one base deleted (G; older notation c.236delG).
Protein change: p.Gly79fs; shifts the reading frame from glycine 79.
Molecular consequence: frameshift variant.
Genome position (GRCh38, 1-based): chr3:25,778,584, C deleted on the plus strand (G on the coding strand, the reverse complement: NGLY1 is on the minus strand); the first of 3 consecutive C bases (chr3:25,778,584-25,778,586); deleting any one gives the same sequence. VCF-style (leftmost placement, unchanged base first): chr3-25778583-GC-G. GRCh37 (hg19) VCF-style: chr3-25820074-GC-G.
Other names: c.236del, p.Gly79fs (NM_001145293.2, NM_001145295.2); c.110del, p.Gly37fs (NM_001145294.2); short protein forms G37fs, G79fs.
Identifiers: ClinVar variation 2132011 (VCV002132011.4), dbSNP rs1478199796, ClinGen allele CA905675266.

ClinVar aggregate classification (germline): Pathogenic (1 of 4 stars; one submission).

Conditions:
Congenital disorder of deglycosylation (CDDG). Identifiers: MedGen C3808991, MONDO:0031376.

Submission:

Labcorp Genetics (formerly Invitae), Labcorp
Classification: Pathogenic for Congenital disorder of deglycosylation. Last evaluated: 2022-04-29. Review status: criteria provided, single submitter. Criteria: Invitae Variant Classification Sherloc (09022015). Collection method: clinical testing. Allele origin: germline.
Comment: This variant has not been reported in the literature in individuals affected with NGLY1-related conditions. This sequence change creates a premature translational stop signal (p.Gly79Alafs*26) in the NGLY1 gene. It is expected to result in an absent or disrupted protein product. Loss-of-function variants in NGLY1 are known to be pathogenic (PMID: 24651605). This variant is not present in population databases (gnomAD no frequency). For these reasons, this variant has been classified as Pathogenic.

Literature cited by the submitters: PubMed 24651605.